The following is an entry in ClinVar:

ClinVar aggregate classification (germline): Uncertain significance (1 of 4 stars; one submission).

gnomAD v4.1: 1 of 1,613,340 alleles (0.000062%); highest among the groups gnomAD compares: Non-Finnish European, 0.000085%; no homozygotes.

Submission:

Labcorp Genetics (formerly Invitae), Labcorp
Classification: Uncertain significance. Last evaluated: 2022-08-16. Review status: criteria provided, single submitter. Criteria: Invitae Variant Classification Sherloc (09022015). Collection method: clinical testing. Allele origin: germline.
Comment: This sequence change replaces proline, which is neutral and non-polar, with serine, which is neutral and polar, at codon 658 of the RP1 protein (p.Pro658Ser). This variant is not present in population databases (gnomAD no frequency). This variant has not been reported in the literature in individuals affected with RP1-related conditions. Algorithms developed to predict the effect of missense changes on protein structure and function output the following: SIFT: "Tolerated"; PolyPhen-2: "Benign"; Align-GVGD: "Class C0". The serine amino acid residue is found in multiple mammalian species, which suggests that this missense change does not adversely affect protein function. In summary, the available evidence is currently insufficient to determine the role of this variant in disease. Therefore, it has been classified as a Variant of Uncertain Significance.

NM_006269.2(RP1):c.1972C>T (p.Pro658Ser)

Gene: RP1 (RP1 axonemal microtubule associated; plus strand). Cytogenetic location: 8q12.1.
Variant type: single nucleotide variant.
Coding change: c.1972C>T on transcript NM_006269.2 (MANE Select); coding-DNA position 1972, C replaced by T.
Protein change: p.Pro658Ser; replaces proline 658 with serine.
Molecular consequence: missense variant. On other transcripts: intron variant (1).
Genome position (GRCh38, 1-based): chr8:54,625,854, C>T. VCF-style: chr8-54625854-C-T. GRCh37 (hg19) VCF-style: chr8-55538414-C-T.
Other names: c.787+3566C>T (NM_001375654.1); short protein forms P658S.
Identifiers: ClinVar variation 2121846 (VCV002121846.4), dbSNP rs1237729274, ClinGen allele CA370992453.
Genomic context (GRCh38, chr8:54,625,854, plus strand): 5'-GTCACTGCAAGAATTGACAGACTAATTAATGAATTTGCTCAGTGTGGTTTAACAAAACTT[C>T]CAAAAAATGAAAAGAAGATTTTGTCATCTGTTGCCAGCAAAAAGAAGAAAAAATCTCGAC-3'
Protein context (NP_006260.1, residues 648-668): EFAQCGLTKL[Pro658Ser]KNEKKILSSV